The following is an entry in ClinVar:

NM_001458.5(FLNC):c.1111dup (p.Ala371fs)

Gene: FLNC (filamin C; plus strand). Cytogenetic location: 7q32.1.
Variant type: Duplication.
Coding change: c.1111dup on transcript NM_001458.5 (MANE Select); coding-DNA position 1111, one base duplicated (G; older notation c.1111dupG).
Protein change: p.Ala371fs; shifts the reading frame from alanine 371.
Molecular consequence: frameshift variant.
Genome position (GRCh38, 1-based): chr7:128,838,330, G duplicated; the last of 2 consecutive G bases (chr7:128,838,329-128,838,330); duplicating either gives the same sequence. VCF-style (leftmost placement, unchanged base first): chr7-128838328-T-TG. GRCh37 (hg19) VCF-style: chr7-128478382-T-TG.
Other names: c.1111dup, p.Ala371fs (NM_001127487.2); short protein forms A371fs.
Identifiers: ClinVar variation 1422873 (VCV001422873.6), dbSNP rs2128934407, ClinGen allele CA2573141759.

ClinVar aggregate classification (germline): Pathogenic (1 of 4 stars; one submission).

Conditions:
Myofibrillar myopathy 5. Also called: FILAMINOPATHY, AUTOSOMAL DOMINANT; Filaminopathy (type). Identifiers: Orphanet 171445, MedGen C1836050, MONDO:0012289, OMIM 609524.
Distal myopathy with posterior leg and anterior hand involvement. Also called: WILLIAMS DISTAL MYOPATHY. Identifiers: Orphanet 63273, MedGen C3279722, MONDO:0013550, OMIM 614065.
Hypertrophic cardiomyopathy 26. Also called: Cardiomyopathy, familial hypertrophic, 26. Identifiers: Orphanet 75249, MedGen C4310749, MONDO:0014883, OMIM 617047.

Submission:

Labcorp Genetics (formerly Invitae), Labcorp
Classification: Pathogenic for Distal myopathy with posterior leg and anterior hand involvement; Myofibrillar myopathy 5; Hypertrophic cardiomyopathy 26. Last evaluated: 2024-12-12. Review status: criteria provided, single submitter. Criteria: Invitae Variant Classification Sherloc (09022015). Collection method: clinical testing. Allele origin: germline.
Comment: This sequence change creates a premature translational stop signal (p.Ala371Glyfs*29) in the FLNC gene. It is expected to result in an absent or disrupted protein product. Loss-of-function variants in FLNC are known to be pathogenic (PMID: 27908349). This variant is not present in population databases (gnomAD no frequency). This variant has not been reported in the literature in individuals affected with FLNC-related conditions. ClinVar contains an entry for this variant (Variation ID: 1422873). For these reasons, this variant has been classified as Pathogenic.

Literature cited by the submitters: PubMed 27908349.